The following is an entry in ClinVar:

ClinVar aggregate classification (germline): Likely benign. Review status: criteria provided, multiple submitters, no conflicts (2 of 4 stars). 2 submissions from 2 submitters: Likely benign (2). Last evaluated 2025-09-06.

Conditions:
Ataxia-telangiectasia syndrome (AT). Also called: AT, COMPLEMENTATION GROUP C; ATAXIA-TELANGIECTASIA, COMPLEMENTATION GROUP A; ATAXIA-TELANGIECTASIA, FRESNO VARIANT; LOUIS-BAR SYNDROME; Ataxia-telangiectasia; Cerebello-oculocutaneous telangiectasia. Identifiers: Orphanet 100, MedGen C0004135, MONDO:0008840, OMIM 208900.

Allele frequency attached by ClinVar (database versions not stated): gnomAD exomes below 0.00001 and 0.00001.
gnomAD v4.1: 3 of 1,613,892 alleles (0.00019%); highest among the groups gnomAD compares: Non-Finnish European, 0.00025%; no homozygotes.

Submissions (2):

Labcorp Genetics (formerly Invitae), Labcorp
Classification: Likely benign for Ataxia-telangiectasia syndrome. Last evaluated: 2025-09-06. Review status: criteria provided, single submitter. Criteria: Invitae Variant Classification Sherloc (09022015). Collection method: clinical testing. Allele origin: germline.

GeneDx
Classification: Likely benign. Last evaluated: 2016-04-11. Review status: criteria provided, single submitter. Criteria: GeneDx Variant Classification (06012015). Collection method: clinical testing. Allele origin: germline. Affected: yes.
Comment: This variant is considered likely benign or benign based on one or more of the following criteria: it is a conservative change, it occurs at a poorly conserved position in the protein, it is predicted to be benign by multiple in silico algorithms, and/or has population frequency not consistent with disease.

NM_000051.4(ATM):c.1607+13T>C

Gene: ATM (ATM serine/threonine kinase; plus strand). Cytogenetic location: 11q22.3.
Variant type: single nucleotide variant.
Coding change: c.1607+13T>C on transcript NM_000051.4 (MANE Select); 13 bases into the intron after coding-DNA position 1607, T replaced by C.
Molecular consequence: intron variant.
Genome position (GRCh38, 1-based): chr11:108,251,085, T>C. VCF-style: chr11-108251085-T-C. GRCh37 (hg19) VCF-style: chr11-108121812-T-C.
Other names: c.1607+13T>C (NM_001351834.2).
Identifiers: ClinVar variation 385523 (VCV000385523.7), dbSNP rs1057522249, ClinGen allele CA16606027.